The following is an entry in ClinVar:

ClinVar aggregate classification (germline): Uncertain significance (1 of 4 stars; one submission).

Submission:

GeneDx
Classification: Uncertain significance. Last evaluated: 2018-07-02. Review status: criteria provided, single submitter. Criteria: GeneDx Variant Classification (06012015). Collection method: clinical testing. Allele origin: germline. Affected: yes.
Comment: The c.3379+1G>C variant in the SOS2 gene has not been reported previously as a pathogenic variant nor as a benign variant, to our knowledge. This splice site variant destroys the canonical splice donor site in intron 21, which is predicted to cause abnormal gene splicing resulting in an in-frame protein product with an abnormal message. However, in the absence of RNA/functional studies, the actual effect of c.3379+1G>C in this individual is unknown. This variant is not observed in large population cohorts (Lek et al., 2016). We interpret c.3379+1G>C as a variant of uncertain significance.

NM_006939.4(SOS2):c.3379+1G>C

Gene: SOS2 (SOS Ras/Rho guanine nucleotide exchange factor 2; minus strand). Cytogenetic location: 14q21.3.
Variant type: single nucleotide variant.
Coding change: c.3379+1G>C on transcript NM_006939.4 (MANE Select); the canonical splice donor site of the intron after coding-DNA position 3379, G replaced by C.
Molecular consequence: splice donor variant.
Genome position (GRCh38, 1-based): chr14:50,129,960, C>G on the plus strand (G>C on the coding strand, the complement: SOS2 is on the minus strand). VCF-style: chr14-50129960-C-G. GRCh37 (hg19) VCF-style: chr14-50596678-C-G.
Other names: c.3280+1G>C (NM_001411020.1).
Identifiers: ClinVar variation 561902 (VCV000561902.1), dbSNP rs1566818889, ClinGen allele CA389640218.
Genomic context (GRCh38, chr14:50,129,960, plus strand): 5'-AATCAACCAGATTATTATCTTTACAGTCATTTCATTAAGAATCAACTTAAATTATACTTA[C>G]TTGAATGTGGCAAAAGCACTGGAGCAAAGATGCTATTGCTGCCTATTGGAATAAGAAAAA-3'